The following is an entry in ClinVar:

NM_001371596.2(MFSD8):c.939del (p.Ala314fs)

Gene: MFSD8 (major facilitator superfamily domain containing 8; minus strand). Cytogenetic location: 4q28.2.
Variant type: Deletion.
Coding change: c.939del on transcript NM_001371596.2 (MANE Select); coding-DNA position 939, one base deleted (T; older notation c.939delT).
Protein change: p.Ala314fs; shifts the reading frame from alanine 314.
Molecular consequence: frameshift variant.
Genome position (GRCh38, 1-based): chr4:127,930,742, A deleted on the plus strand (T on the coding strand, the reverse complement: MFSD8 is on the minus strand); the first of 2 consecutive A bases (chr4:127,930,742-127,930,743); deleting either gives the same sequence. VCF-style (leftmost placement, unchanged base first): chr4-127930741-CA-C. GRCh37 (hg19) VCF-style: chr4-128851896-CA-C.
Other names: c.738del, p.Ala247fs (NM_001363520.3); c.624del, p.Ala209fs (NM_001363521.3); c.804del, p.Ala269fs (NM_001371590.2); c.939del, p.Ala314fs (NM_001371591.2, NM_152778.4); c.945del, p.Ala316fs (NM_001371592.2); c.825del, p.Ala276fs (NM_001371593.2, NM_001410766.1); c.792del, p.Ala265fs (NM_001371594.2); c.657del, p.Ala220fs (NM_001371595.1); and 1 more; short protein forms A220fs, A276fs, A164fs, A247fs, A265fs, A316fs, A209fs, A269fs.
Identifiers: ClinVar variation 2718182 (VCV002718182.3), dbSNP rs2546083325, ClinGen allele CA2697546927.

ClinVar aggregate classification (germline): Pathogenic (1 of 4 stars; one submission).

Conditions:
Neuronal ceroid lipofuscinosis 7 (CLN7). Also called: MFSD8-Related Neuronal Ceroid-Lipofuscinosis. Identifiers: Orphanet 168491, Orphanet 228366, MedGen C1838571, MONDO:0012588, OMIM 610951.

Submission:

Labcorp Genetics (formerly Invitae), Labcorp
Classification: Pathogenic for Neuronal ceroid lipofuscinosis 7. Last evaluated: 2023-06-17. Review status: criteria provided, single submitter. Criteria: Invitae Variant Classification Sherloc (09022015). Collection method: clinical testing. Allele origin: germline.
Comment: For these reasons, this variant has been classified as Pathogenic. This variant has not been reported in the literature in individuals affected with MFSD8-related conditions. This variant is not present in population databases (gnomAD no frequency). This sequence change creates a premature translational stop signal (p.Ala314Leufs*12) in the MFSD8 gene. It is expected to result in an absent or disrupted protein product. Loss-of-function variants in MFSD8 are known to be pathogenic (PMID: 19177532, 25227500, 28586915).

Literature cited by the submitters: PubMed 19177532; PubMed 25227500; PubMed 28586915.